The following is an entry in ClinVar:

ClinVar aggregate classification (germline): Uncertain significance. Review status: criteria provided, multiple submitters, no conflicts (2 of 4 stars). 2 submissions from 2 submitters: Uncertain significance (2). Last evaluated 2024-10-25.

Conditions:
Inborn genetic diseases. Identifiers: MedGen C0950123, MeSH D030342.
Orofacial-digital syndrome IV (OFD4). Also called: BARAITSER-BURN SYNDROME; OFD SYNDROME WITH TIBIAL DEFECTS; OFD SYNDROME, BARAITSER-BURN TYPE; OFDS IV; ORAL-FACIAL-DIGITAL SYNDROME, TYPE IV; MOHR-MAJEWSKI SYNDROME. Identifiers: Orphanet 2753, MedGen C0406727, MONDO:0009794, OMIM 258860.
Joubert syndrome 18 (JBTS18). Identifiers: Orphanet 2754, MedGen C3553758, MONDO:0013896, OMIM 614815.

Allele frequency attached by ClinVar (database versions not stated): gnomAD exomes below 0.00001; TOPMed below 0.00001.
gnomAD v4.1: 6 of 1,614,140 alleles (0.00037%); highest among the groups gnomAD compares: Non-Finnish European, 0.00051%; no homozygotes.

Submissions (2):

Ambry Genetics
Classification: Uncertain significance for Inborn genetic diseases. Last evaluated: 2024-10-25. Review status: criteria provided, single submitter. Criteria: Ambry Variant Classification Scheme 2023. Collection method: clinical testing. Allele origin: germline.

Labcorp Genetics (formerly Invitae), Labcorp
Classification: Uncertain significance for Joubert syndrome 18; Orofacial-digital syndrome IV. Last evaluated: 2024-02-24. Review status: criteria provided, single submitter. Criteria: Invitae Variant Classification Sherloc (09022015). Collection method: clinical testing. Allele origin: germline.
Comment: This sequence change replaces alanine, which is neutral and non-polar, with threonine, which is neutral and polar, at codon 393 of the TCTN3 protein (p.Ala393Thr). This variant is present in population databases (no rsID available, gnomAD 0.0009%). This variant has not been reported in the literature in individuals affected with TCTN3-related conditions. ClinVar contains an entry for this variant (Variation ID: 1005652). Advanced modeling of protein sequence and biophysical properties (such as structural, functional, and spatial information, amino acid conservation, physicochemical variation, residue mobility, and thermodynamic stability) performed at Invitae indicates that this missense variant is not expected to disrupt TCTN3 protein function with a negative predictive value of 80%. In summary, the available evidence is currently insufficient to determine the role of this variant in disease. Therefore, it has been classified as a Variant of Uncertain Significance.

NM_015631.6(TCTN3):c.1177G>A (p.Ala393Thr)

Gene: TCTN3 (tectonic family member 3; minus strand). Cytogenetic location: 10q24.1.
Variant type: single nucleotide variant.
Coding change: c.1177G>A on transcript NM_015631.6 (MANE Select); coding-DNA position 1177, G replaced by A.
Protein change: p.Ala393Thr; replaces alanine 393 with threonine.
Molecular consequence: missense variant.
Genome position (GRCh38, 1-based): chr10:95,683,548, C>T on the plus strand (G>A on the coding strand, the complement: TCTN3 is on the minus strand). VCF-style: chr10-95683548-C-T. GRCh37 (hg19) VCF-style: chr10-97443305-C-T.
Other names: c.733G>A, p.Ala245Thr (NM_001143973.2); c.1177G>A (NM_015631.5); short protein forms A245T, A393T.
Identifiers: ClinVar variation 1005652 (VCV001005652.7), dbSNP rs1432135827, ClinGen allele CA377704453.